The following is an entry in ClinVar:

ClinVar aggregate classification (germline): Pathogenic/Likely pathogenic. Review status: criteria provided, multiple submitters, no conflicts (2 of 4 stars). 3 submissions from 3 submitters: Pathogenic (1); Likely pathogenic (2). Last evaluated 2026-08-06.

Conditions:
Neonatal developmental and epileptic encephalopathy with movement disorders and arthrogryposis (NDEEMA).
Developmental and epileptic encephalopathy 6B. Also called: Developmental and epileptic encephalopathy 6B, non-Dravet. Identifiers: MedGen C5543353, MONDO:0030268, OMIM 619317.
SCN1A-related disorder. Also called: SCN1A-related conditions; SCN1A-related condition; SCN1A-related disorders.

Submissions (4):

OLLIN Analises Genomicas, OLLIN
Classification: Pathogenic for Developmental and epileptic encephalopathy 6B. Last evaluated: 2026-08-06. Review status: criteria provided, single submitter. Criteria: ACMG Guidelines 2015 PMID 25741868. Collection method: clinical testing. Allele origin: de novo. Inheritance: Autosomal dominant inheritance.
Comment: This missense variant, located in exon 9 (of 29), is absent from gnomAD but has been reported in ClinVar (accession VCV003067154.3) and in the scientific literature, also being identified de novo, in individuals with SCN1A related disorders (PMID: 36868483). Functional studies suggest that this variant may affect protein function, and in silico analysis predicts a deleterious effect (PMID: 36868483). Another pathogenic variant affecting the same amino acid residue has been reported. According to the currently available evidence, this variant has been classified as pathogenic (PS2, PS3_M, PM2_P, PM5, PP3_M).

Unidad de Genómica Garrahan, Hospital de Pediatría Garrahan
Classification: Likely pathogenic for Neonatal developmental and epileptic encephalopathy with movement disorders and arthrogryposis (NDEEMA). Last evaluated: 2025-08-05. Review status: criteria provided, single submitter. Criteria: ACMG Guidelines, 2015. Collection method: clinical testing. Allele origin: germline. Affected: yes.
Comment: This variant is not present in gnomAD population databases (PM2_sup). Computational prediction tools support a deleterious effect on the gene (PP3_sup). Variant is located in a mutational hotspot (PM1_mod). Different amino acid change as a known pathogenic variant (PM5_mod). The variant has been described in patients with neonatal-onset DEE, and functional assays support a gain-of-function mechanism.

Blueprint Genetics
Classification: Likely pathogenic for SCN1A-related disorders. Last evaluated: 2022-01-03. Review status: criteria provided, single submitter. Criteria: ACMG Guidelines, 2015. Collection method: clinical testing. Allele origin: germline. Affected: yes. Observed: 1 variant allele.

Channelopathy-Associated Epilepsy Research Center
No classification provided (evidence only). Condition: Severe myoclonic epilepsy in infancy. Review status: no classification provided. Collection method: literature only. Allele origin: not applicable. Functional consequence: Normal peak current, Normal voltage dependence of activation, Normal slope of activation, Normal voltage dependence of fast inactivation, Normal slope of fast inactivation, Normal fast inactivation, Normal persistent current, Normal rate of recovery from fast inactivation, Increase in ramp current, Overall gain-of-function effect with respect to biophysical channel activity. Not counted in ClinVar's aggregate classification.
ClinVar note: "not provided" was previously submitted as the classification for the variant. However, the classification appeared to be based only on an observation of functional data so it was converted to no classification on 2025-07-30.

Literature cited by the submitters: PubMed 36868483 (cited by OLLIN Analises Genomicas, OLLIN and Unidad de Genómica Garrahan, Hospital de Pediatría Garrahan); PubMed 35696452 (cited by Channelopathy-Associated Epilepsy Research Center).

NM_001165963.4(SCN1A):c.706A>G (p.Ile236Val)

Gene: SCN1A (sodium voltage-gated channel alpha subunit 1; minus strand). Cytogenetic location: 2q24.3.
Variant type: single nucleotide variant.
Coding change: c.706A>G on transcript NM_001165963.4 (MANE Select); coding-DNA position 706, A replaced by G.
Protein change: p.Ile236Val; replaces isoleucine 236 with valine.
Molecular consequence: missense variant. On other transcripts: 5 prime UTR variant (1), non-coding transcript variant (1).
Genome position (GRCh38, 1-based): chr2:166,051,977, T>C on the plus strand (A>G on the coding strand, the complement: SCN1A is on the minus strand). VCF-style: chr2-166051977-T-C. GRCh37 (hg19) VCF-style: chr2-166908487-T-C.
Other names: c.706A>G, p.Ile236Val (NM_001165964.3, NM_001202435.3, NM_001353948.2 and 10 more transcripts); c.-1720A>G (NM_001353961.2); short protein forms I236V.
Identifiers: ClinVar variation 3067154 (VCV003067154.5), dbSNP rs2468225401, ClinGen allele CA349073838.